The following is an entry in ClinVar:

ClinVar aggregate classification (germline): Benign. Review status: reviewed by expert panel (3 of 4 stars). 3 submissions from 3 submitters: Benign (1). 2 of the submissions do not count toward it. Last evaluated 2013-09-05.

Conditions:
Lynch syndrome. Identifiers: Orphanet 144, MedGen C4552100, MONDO:0005835. Disease mechanism: loss of function.

Allele frequency attached by ClinVar (database versions not stated): 1000 Genomes Project 30x 0.01499; 1000 Genomes Project 0.01538; TOPMed 0.03225; gnomAD 0.03382 and 0.03454.
gnomAD v4.1: 5,148 of 152,120 alleles (3.4%); highest among the groups gnomAD compares: Non-Finnish European, 5.7%; 140 homozygotes.

Submissions (3):

International Society for Gastrointestinal Hereditary Tumours (InSiGHT)
Classification: Benign for Lynch Syndrome. Last evaluated: 2013-09-05. Review status: reviewed by expert panel. Criteria: Guidelines v1.9. Collection method: research. Allele origin: germline.
Comment: MAF >1%

Classified with v1.9 guidelines
ClinVar note: Converted during submission from no known pathogenicity to Benign.

GeneDx
Classification: Benign. Last evaluated: 2019-08-07. Review status: criteria provided, single submitter. Criteria: GeneDx Variant Classification Process June 2021. Collection method: clinical testing. Allele origin: germline. Affected: yes. Not counted in ClinVar's aggregate classification.

Breakthrough Genomics
Classification: Benign. Review status: criteria provided, single submitter. Criteria: ACMG Guidelines, 2015. Collection method: not provided. Allele origin: germline. Inheritance: Autosomal recessive inheritance. Affected: yes. Not counted in ClinVar's aggregate classification.

NM_000179.3(MSH6):c.3556+160T>C

Gene: MSH6 (mutS homolog 6; plus strand). Cytogenetic location: 2p16.3.
Variant type: single nucleotide variant.
Coding change: c.3556+160T>C on transcript NM_000179.3 (MANE Select); 160 bases into the intron after coding-DNA position 3556, T replaced by C.
Molecular consequence: intron variant.
Genome position (GRCh38, 1-based): chr2:47,805,187, T>C. VCF-style: chr2-47805187-T-C. GRCh37 (hg19) VCF-style: chr2-48032326-T-C.
Other names: c.2650+160T>C (NM_001281493.2, NM_001281494.2); c.3166+160T>C (NM_001281492.2).
Identifiers: ClinVar variation 89411 (VCV000089411.6), dbSNP rs56320267, ClinGen allele CA013354.